The following is an entry in ClinVar:

NM_001556.3(IKBKB):c.1451A>G (p.Asp484Gly)

Gene: IKBKB (inhibitor of nuclear factor kappa B kinase subunit beta; plus strand). Cytogenetic location: 8p11.21.
Variant type: single nucleotide variant.
Coding change: c.1451A>G on transcript NM_001556.3 (MANE Select); coding-DNA position 1451, A replaced by G.
Protein change: p.Asp484Gly; replaces aspartic acid 484 with glycine.
Molecular consequence: missense variant. On other transcripts: non-coding transcript variant (3).
Genome position (GRCh38, 1-based): chr8:42,319,356, A>G. VCF-style: chr8-42319356-A-G. GRCh37 (hg19) VCF-style: chr8-42176874-A-G.
Other names: c.1259A>G, p.Asp420Gly (NM_001190720.3); c.1274A>G, p.Asp425Gly (NM_001242778.2); short protein forms D425G, D420G, D484G.
Identifiers: ClinVar variation 1380444 (VCV001380444.6), dbSNP rs2130659705, ClinGen allele CA371090450.

ClinVar aggregate classification (germline): Uncertain significance (1 of 4 stars; one submission).

Conditions:
Severe combined immunodeficiency due to IKK2 deficiency. Also called: IMMUNODEFICIENCY 15B; Immunodeficiency 15. Identifiers: Orphanet 397787, MedGen C4747743, MONDO:0014267, OMIM 615592.

Submission:

Labcorp Genetics (formerly Invitae), Labcorp
Classification: Uncertain significance for Severe combined immunodeficiency due to IKK2 deficiency. Last evaluated: 2022-02-09. Review status: criteria provided, single submitter. Criteria: Invitae Variant Classification Sherloc (09022015). Collection method: clinical testing. Allele origin: germline.
Comment: In summary, the available evidence is currently insufficient to determine the role of this variant in disease. Therefore, it has been classified as a Variant of Uncertain Significance. Advanced modeling of protein sequence and biophysical properties (such as structural, functional, and spatial information, amino acid conservation, physicochemical variation, residue mobility, and thermodynamic stability) performed at Invitae indicates that this missense variant is not expected to disrupt IKBKB protein function. This variant has not been reported in the literature in individuals affected with IKBKB-related conditions. This variant is not present in population databases (gnomAD no frequency). This sequence change replaces aspartic acid, which is acidic and polar, with glycine, which is neutral and non-polar, at codon 484 of the IKBKB protein (p.Asp484Gly).